The following is an entry in ClinVar:

NM_004380.3(CREBBP):c.1331-4A>G

Gene: CREBBP (CREB binding lysine acetyltransferase; minus strand). Cytogenetic location: 16p13.3.
Variant type: single nucleotide variant.
Coding change: c.1331-4A>G on transcript NM_004380.3 (MANE Select); 4 bases into the intron before coding-DNA position 1331, A replaced by G.
Molecular consequence: intron variant.
Genome position (GRCh38, 1-based): chr16:3,782,930, T>C on the plus strand (A>G on the coding strand, the complement: CREBBP is on the minus strand). VCF-style: chr16-3782930-T-C. GRCh37 (hg19) VCF-style: chr16-3832931-T-C.
Other names: c.1217-4A>G (NM_001079846.1).
Identifiers: ClinVar variation 210768 (VCV000210768.12), dbSNP rs756291909, ClinGen allele CA208376.

ClinVar aggregate classification (germline): Likely benign. Review status: criteria provided, multiple submitters, no conflicts (2 of 4 stars). 4 submissions from 4 submitters: Likely benign (3). 1 of the submissions does not count toward it. Last evaluated 2025-02-18.

Conditions:
Rubinstein-Taybi syndrome (RSTS). Identifiers: Orphanet 783, MedGen C0035934, MONDO:0019188.
CREBBP-related disorder. Also called: CREBBP-related condition; CREBBP-related disorders.

Allele frequency attached by ClinVar (database versions not stated): ExAC 0.00001; gnomAD 0.00001; gnomAD exomes 0.00002; TOPMed 0.00002.
gnomAD v4.1: 35 of 1,613,968 alleles (0.0022%); highest among the groups gnomAD compares: Admixed American, 0.005%; no homozygotes.

Submissions (4):

Labcorp Genetics (formerly Invitae), Labcorp
Classification: Likely benign for Rubinstein-Taybi syndrome. Last evaluated: 2025-02-18. Review status: criteria provided, single submitter. Criteria: Invitae Variant Classification Sherloc (09022015). Collection method: clinical testing. Allele origin: germline.

Blueprint Genetics
Classification: Likely benign. Last evaluated: 2021-09-14. Review status: criteria provided, single submitter. Criteria: ACMG Guidelines, 2015. Collection method: clinical testing. Allele origin: germline.

Genetic Services Laboratory, University of Chicago
Classification: Likely benign. Last evaluated: 2014-11-17. Review status: criteria provided, single submitter. Criteria: ACMG Guidelines, 2015. Collection method: clinical testing. Allele origin: germline.

PreventionGenetics, part of Exact Sciences
Classification: Likely benign for CREBBP-related condition. Last evaluated: 2021-08-11. Review status: no assertion criteria provided. Collection method: clinical testing. Allele origin: germline. Not counted in ClinVar's aggregate classification.
Comment: This variant is classified as likely benign based on ACMG/AMP sequence variant interpretation guidelines (Richards et al. 2015 PMID: 25741868, with internal and published modifications).